The following is an entry in ClinVar:

NM_006767.4(LZTR1):c.353G>C (p.Arg118Pro)

Gene: LZTR1 (leucine zipper like post translational regulator 1; plus strand). Cytogenetic location: 22q11.21.
Variant type: single nucleotide variant.
Coding change: c.353G>C on transcript NM_006767.4 (MANE Select); coding-DNA position 353, G replaced by C.
Protein change: p.Arg118Pro; replaces arginine 118 with proline.
Molecular consequence: missense variant.
Genome position (GRCh38, 1-based): chr22:20,987,536, G>C. VCF-style: chr22-20987536-G-C. GRCh37 (hg19) VCF-style: chr22-21341825-G-C.
Other names: c.353G>C (NM_006767.3); short protein forms R118P.
Identifiers: ClinVar variation 2718025 (VCV002718025.4), dbSNP rs769001939, ClinGen allele CA410779318.

ClinVar aggregate classification (germline): Uncertain significance. Review status: criteria provided, multiple submitters, no conflicts (2 of 4 stars). 2 submissions from 2 submitters: Uncertain significance (2). Last evaluated 2025-01-28.

Conditions:
Hereditary cancer-predisposing syndrome. Also called: Neoplastic Syndromes, Hereditary; Tumor predisposition; Hereditary neoplastic syndrome; Hereditary Cancer Syndrome. Identifiers: Orphanet 140162, MedGen C0027672, MeSH D009386, MONDO:0015356.
Cardiovascular phenotype. Identifiers: MedGen CN230736.

gnomAD v4.1: 3 of 1,613,898 alleles (0.00019%); highest among the groups gnomAD compares: Non-Finnish European, 0.00025%; no homozygotes.

Submissions (2):

Labcorp Genetics (formerly Invitae), Labcorp
Classification: Uncertain significance. Last evaluated: 2025-01-28. Review status: criteria provided, single submitter. Criteria: Invitae Variant Classification Sherloc (09022015). Collection method: clinical testing. Allele origin: germline.
Comment: This sequence change replaces arginine, which is basic and polar, with proline, which is neutral and non-polar, at codon 118 of the LZTR1 protein (p.Arg118Pro). This variant is not present in population databases (gnomAD no frequency). This variant has not been reported in the literature in individuals affected with LZTR1-related conditions. ClinVar contains an entry for this variant (Variation ID: 2718025). Invitae Evidence Modeling of protein sequence and biophysical properties (such as structural, functional, and spatial information, amino acid conservation, physicochemical variation, residue mobility, and thermodynamic stability) indicates that this missense variant is not expected to disrupt LZTR1 protein function with a negative predictive value of 80%. In summary, the available evidence is currently insufficient to determine the role of this variant in disease. Therefore, it has been classified as a Variant of Uncertain Significance.

Ambry Genetics
Classification: Uncertain significance for Cardiovascular phenotype; Hereditary cancer-predisposing syndrome. Last evaluated: 2024-01-02. Review status: criteria provided, single submitter. Criteria: Ambry Variant Classification Scheme 2023. Collection method: clinical testing. Allele origin: germline.
Comment: The p.R118P variant (also known as c.353G>C), located in coding exon 4 of the LZTR1 gene, results from a G to C substitution at nucleotide position 353. The arginine at codon 118 is replaced by proline, an amino acid with dissimilar properties. This amino acid position is highly conserved in available vertebrate species. In addition, this alteration is predicted to be deleterious by in silico analysis. Since supporting evidence is limited at this time, the clinical significance of this alteration remains unclear.